The following is an entry in ClinVar:

NM_018062.4(FANCL):c.694AAT[1] (p.Asn233del)

Gene: FANCL (FA complementation group L; minus strand). Cytogenetic location: 2p16.1.
Variant type: Microsatellite.
Coding change: c.694AAT[1] on transcript NM_018062.4 (MANE Select); one copy of the 3-base unit AAT starting at c.694; the reference has two copies in a row; one copy, 3 bases deleted.
Protein change: p.Asn233del; deletes asparagine 233.
Molecular consequence: inframe deletion. On other transcripts: inframe indel (1).
Genome position (GRCh38, 1-based): chr2:58,163,510-58,163,512, ATT deleted on the plus strand (AAT on the coding strand, the reverse complement: FANCL is on the minus strand); deleting any 3 consecutive bases within chr2:58,163,510-58,163,516 gives the same sequence; the position shown is the placement nearest the transcript's 3' end. VCF-style (leftmost placement, unchanged base first): chr2-58163509-CATT-C. GRCh37 (hg19) VCF-style: chr2-58390644-CATT-C.
Other names: c.708_710TAA[1], p.Asn238del (NM_001114636.2); c.739AAT[1], p.Asn248del (NM_001374615.1); c.754AAT[1], p.Asn253del (NM_001410792.1); c.712_714delAAT (NM_001114636.1); short protein forms N233del, N238del, N248del, N253del.
Identifiers: ClinVar variation 1600391 (VCV001600391.9), dbSNP rs549637282, ClinGen allele CA1670492.

ClinVar aggregate classification (germline): Benign/Likely benign. Review status: criteria provided, multiple submitters, no conflicts (2 of 4 stars). 2 submissions from 2 submitters: Benign (1); Likely benign (1). Last evaluated 2026-08-30.

Conditions:
Fanconi anemia (FA). Also called: Fanconi's anemia. Identifiers: Orphanet 84, MedGen C0015625, MeSH D005199, MONDO:0019391.
FANCL-related disorder. Also called: FANCL-related condition.

Submissions (2):

PreventionGenetics, part of Exact Sciences
Classification: Likely benign for FANCL-related condition. Last evaluated: 2026-08-30. Review status: criteria provided, single submitter. Criteria: ACMG Guidelines, 2015. Collection method: clinical testing. Allele origin: germline.
Comment: This variant is classified as likely benign based on ACMG/AMP sequence variant interpretation guidelines (Richards et al. 2015 PMID: 25741868, with internal and published modifications).

Labcorp Genetics (formerly Invitae), Labcorp
Classification: Benign for Fanconi anemia. Last evaluated: 2025-09-24. Review status: criteria provided, single submitter. Criteria: Invitae Variant Classification Sherloc (09022015). Collection method: clinical testing. Allele origin: germline.